The following is an entry in ClinVar:

NM_004304.5(ALK):c.33GCT[6] (p.Leu14_Ser15insLeuLeuLeu)

Gene: ALK (ALK receptor tyrosine kinase; minus strand). Cytogenetic location: 2p23.1.
Variant type: Microsatellite.
Coding change: c.33GCT[6] on transcript NM_004304.5 (MANE Select); six copies in a row of the 3-base unit GCT starting at c.33; the reference has three copies in a row; three copies, 9 bases duplicated.
Protein change: p.Leu14_Ser15insLeuLeuLeu.
Genome position (GRCh38, 1-based): chr2:29,920,619-29,920,627, AGCAGCAGC duplicated on the plus strand (GCTGCTGCT on the coding strand, the reverse complement: ALK is on the minus strand). VCF-style (leftmost placement, unchanged base first): chr2-29920618-A-AAGCAGCAGC. GRCh37 (hg19) VCF-style: chr2-30143484-A-AAGCAGCAGC.
Identifiers: ClinVar variation 5035672 (VCV005035672.1).

ClinVar aggregate classification (germline): Uncertain significance (1 of 4 stars; one submission).

Conditions:
Hereditary cancer-predisposing syndrome. Also called: Hereditary Cancer Syndrome; Neoplastic Syndromes, Hereditary; Tumor predisposition; Hereditary neoplastic syndrome. Identifiers: Orphanet 140162, MedGen C0027672, MeSH D009386, MONDO:0015356.

Submission:

Ambry Genetics
Classification: Uncertain significance for Hereditary cancer-predisposing syndrome. Last evaluated: 2026-09-03. Review status: criteria provided, single submitter. Criteria: Ambry Variant Classification Scheme 2023. Collection method: clinical testing. Allele origin: germline.
Comment: The c.33_41dupGCTGCTGCT variant (also known as p.L12_L14dup), located in coding exon 1 of the ALK gene, results from an in-frame duplication of GCTGCTGCT at nucleotide positions 33 to 41. This results in the duplication of 3 extra residues (LLL) between codons 12 and 14. These amino acid positions are not well conserved in available vertebrate species. In addition, this variant is predicted to be neutral by in silico analysis (Choi Y et al. PLoS ONE. 2012; 7(10):e46688). Based on the available evidence, the clinical significance of this variant remains unclear.